The following is an entry in ClinVar:

NM_004366.6(CLCN2):c.1792C>T (p.Arg598Trp)

Gene: CLCN2 (chloride voltage-gated channel 2; minus strand). Cytogenetic location: 3q27.1.
Variant type: single nucleotide variant.
Coding change: c.1792C>T on transcript NM_004366.6 (MANE Select); coding-DNA position 1792, C replaced by T.
Protein change: p.Arg598Trp; replaces arginine 598 with tryptophan.
Molecular consequence: missense variant.
Genome position (GRCh38, 1-based): chr3:184,353,725, G>A on the plus strand (C>T on the coding strand, the complement: CLCN2 is on the minus strand). VCF-style: chr3-184353725-G-A. GRCh37 (hg19) VCF-style: chr3-184071513-G-A.
Other names: c.1741C>T, p.Arg581Trp (NM_001171087.3); c.1660C>T, p.Arg554Trp (NM_001171088.3); c.1792C>T, p.Arg598Trp (NM_001171089.3); short protein forms R554W, R581W, R598W.
Identifiers: ClinVar variation 1316088 (VCV001316088.3), dbSNP rs755448536, ClinGen allele CA2733989.

ClinVar aggregate classification (germline): Uncertain significance. Review status: criteria provided, multiple submitters, no conflicts (2 of 4 stars). 2 submissions from 2 submitters: Uncertain significance (2). Last evaluated 2024-08-20.

Allele frequency attached by ClinVar (database versions not stated): ExAC 0.00001; gnomAD 0.00001; TOPMed 0.00001.
gnomAD v4.1: 19 of 1,608,562 alleles (0.0012%); highest among the groups gnomAD compares: African/African-American, 0.0027%; no homozygotes.

Submissions (2):

Blueprint Genetics
Classification: Uncertain significance. Last evaluated: 2024-08-20. Review status: criteria provided, single submitter. Criteria: ACMG Guidelines, 2015. Collection method: clinical testing. Allele origin: germline.

GeneDx
Classification: Uncertain significance. Last evaluated: 2020-07-09. Review status: criteria provided, single submitter. Criteria: GeneDx Variant Classification Process June 2021. Collection method: clinical testing. Allele origin: germline. Affected: yes.
Comment: Not observed at a significant frequency in large population cohorts (Lek et al., 2016); In silico analysis supports that this missense variant has a deleterious effect on protein structure/function; Has not been previously published as pathogenic or benign to our knowledge